The following is an entry in ClinVar:

ClinVar aggregate classification (germline): Uncertain significance. Review status: criteria provided, multiple submitters, no conflicts (2 of 4 stars). 2 submissions from 2 submitters: Uncertain significance (2). Last evaluated 2023-11-21.

Conditions:
Microcephaly, normal intelligence and immunodeficiency (NBS). Also called: BERLIN BREAKAGE SYNDROME; Immunodeficiency, microcephaly with normal intelligence; Nijmegen breakage syndrome; Microcephaly with normal intelligence immunodeficiency and lymphoreticular malignancies; Nonsyndromal microcephaly autosomal recessive with normal intelligence; Seemanova syndrome 2. Identifiers: Orphanet 647, MedGen C0398791, MONDO:0009623, OMIM 251260.
Hereditary cancer-predisposing syndrome. Also called: Neoplastic Syndromes, Hereditary; Hereditary Cancer Syndrome; Tumor predisposition; Hereditary neoplastic syndrome. Identifiers: Orphanet 140162, MedGen C0027672, MeSH D009386, MONDO:0015356.

Submissions (2):

Labcorp Genetics (formerly Invitae), Labcorp
Classification: Uncertain significance for Microcephaly, normal intelligence and immunodeficiency. Last evaluated: 2023-11-21. Review status: criteria provided, single submitter. Criteria: Invitae Variant Classification Sherloc (09022015). Collection method: clinical testing. Allele origin: germline.
Comment: This sequence change replaces isoleucine, which is neutral and non-polar, with threonine, which is neutral and polar, at codon 531 of the NBN protein (p.Ile531Thr). This variant is not present in population databases (gnomAD no frequency). This variant has not been reported in the literature in individuals affected with NBN-related conditions. ClinVar contains an entry for this variant (Variation ID: 1468739). Algorithms developed to predict the effect of missense changes on protein structure and function output the following: SIFT: "Not Available"; PolyPhen-2: "Benign"; Align-GVGD: "Not Available". The threonine amino acid residue is found in multiple mammalian species, which suggests that this missense change does not adversely affect protein function. In summary, the available evidence is currently insufficient to determine the role of this variant in disease. Therefore, it has been classified as a Variant of Uncertain Significance.

Ambry Genetics
Classification: Uncertain significance for Hereditary cancer-predisposing syndrome. Last evaluated: 2021-04-08. Review status: criteria provided, single submitter. Criteria: Ambry Variant Classification Scheme 2023. Collection method: clinical testing. Allele origin: germline.
Comment: The p.I531T variant (also known as c.1592T>C), located in coding exon 11 of the NBN gene, results from a T to C substitution at nucleotide position 1592. The isoleucine at codon 531 is replaced by threonine, an amino acid with similar properties. This amino acid position is poorly conserved in available vertebrate species. In addition, this alteration is predicted to be tolerated by in silico analysis. Since supporting evidence is limited at this time, the clinical significance of this alteration remains unclear.

NM_002485.5(NBN):c.1592T>C (p.Ile531Thr)

Gene: NBN (nibrin; minus strand). Cytogenetic location: 8q21.3.
Variant type: single nucleotide variant.
Coding change: c.1592T>C on transcript NM_002485.5 (MANE Select); coding-DNA position 1592, T replaced by C.
Protein change: p.Ile531Thr; replaces isoleucine 531 with threonine.
Molecular consequence: missense variant.
Genome position (GRCh38, 1-based): chr8:89,953,497, A>G on the plus strand (T>C on the coding strand, the complement: NBN is on the minus strand). VCF-style: chr8-89953497-A-G. GRCh37 (hg19) VCF-style: chr8-90965725-A-G.
Other names: c.1346T>C, p.Ile449Thr (NM_001024688.3); short protein forms I531T, I449T.
Identifiers: ClinVar variation 1468739 (VCV001468739.10), dbSNP rs2129700486, ClinGen allele CA371655523.